The following is an entry in ClinVar:

ClinVar aggregate classification (germline): Uncertain significance (1 of 4 stars; one submission).

Conditions:
Asphyxiating thoracic dystrophy 5 (SRTD5). Also called: SHORT-RIB THORACIC DYSPLASIA 5 WITH OR WITHOUT POLYDACTYLY; SHORT-RIB THORACIC DYSPLASIA 5 WITHOUT POLYDACTYLY. Identifiers: Orphanet 474, MedGen C3280598, MONDO:0013717, OMIM 614376.
Senior-Loken syndrome 8 (SLSN8). Identifiers: Orphanet 3156, MedGen C4225376, MONDO:0014579, OMIM 616307.

Submission:

Labcorp Genetics (formerly Invitae), Labcorp
Classification: Uncertain significance for Senior-Loken syndrome 8; Asphyxiating thoracic dystrophy 5. Last evaluated: 2021-03-29. Review status: criteria provided, single submitter. Criteria: Invitae Variant Classification Sherloc (09022015). Collection method: clinical testing. Allele origin: germline.
Comment: This sequence change results in a frameshift in the WDR19 gene (p.Leu1336Glyfs*31). While this is not anticipated to result in nonsense mediated decay, it is expected to disrupt the last 7 amino acid(s) of the WDR19 protein and extend the protein by 23 additional amino acid residues. This variant is not present in population databases (ExAC no frequency). This variant has not been reported in the literature in individuals with WDR19-related conditions. Experimental studies and prediction algorithms are not available or were not evaluated, and the functional significance of this variant is currently unknown. In summary, the available evidence is currently insufficient to determine the role of this variant in disease. Therefore, it has been classified as a Variant of Uncertain Significance.

NM_025132.4(WDR19):c.4006_4013del (p.Leu1336fs)

Gene: WDR19 (WD repeat domain 19; plus strand). Cytogenetic location: 4p14.
Variant type: Deletion.
Coding change: c.4006_4013del on transcript NM_025132.4 (MANE Select); coding-DNA positions 4006 to 4013, 8 bases deleted (CTGCGAAC; older notation c.4006_4013delCTGCGAAC).
Protein change: p.Leu1336fs; shifts the reading frame from leucine 1336.
Molecular consequence: frameshift variant.
Genome position (GRCh38, 1-based): chr4:39,278,627-39,278,634, CTGCGAAC deleted; deleting any 8 consecutive bases within chr4:39,278,625-39,278,634 gives the same sequence; the c. name uses the placement nearest the transcript's 3' end. VCF-style (leftmost placement, unchanged base first): chr4-39278624-TACCTGCGA-T. GRCh37 (hg19) VCF-style: chr4-39280244-TACCTGCGA-T.
Other names: c.3526_3533del, p.Leu1176fs (NM_001317924.2); short protein forms L1336fs, L1176fs.
Identifiers: ClinVar variation 1414416 (VCV001414416.1), dbSNP rs2109526590, ClinGen allele CA2573137698.